The following is an entry in ClinVar:

ClinVar aggregate classification (germline): Uncertain significance. Review status: criteria provided, multiple submitters, no conflicts (2 of 4 stars). 2 submissions from 2 submitters: Uncertain significance (2). Last evaluated 2021-10-27.

Conditions:
Autosomal recessive ataxia, Beauce type. Also called: Spinocerebellar ataxia, autosomal recessive 8; ATAXIA, RECESSIVE, OF BEAUCE; SYNE1 Deficiency; SYNE1-Related Autosomal Recessive Cerebellar Ataxia. Identifiers: Orphanet 88644, MedGen C1853116, MONDO:0012549, OMIM 610743.
Emery-Dreifuss muscular dystrophy 4, autosomal dominant (EDMD4). Also called: EMERY-DREIFUSS MUSCULAR DYSTROPHY 4 WITH VARIABLE FEATURES. Identifiers: Orphanet 261, MedGen C2751807, MONDO:0013071, OMIM 612998.

Allele frequency attached by ClinVar (database versions not stated): gnomAD exomes 0.00001; TOPMed 0.00002; gnomAD 0.00003.
gnomAD v4.1: 17 of 1,613,634 alleles (0.0011%); highest among the groups gnomAD compares: Middle Eastern, 0.016%; no homozygotes.

Submissions (2):

Labcorp Genetics (formerly Invitae), Labcorp
Classification: Uncertain significance for Emery-Dreifuss muscular dystrophy 4, autosomal dominant; Autosomal recessive ataxia, Beauce type. Last evaluated: 2021-10-27. Review status: criteria provided, single submitter. Criteria: Invitae Variant Classification Sherloc (09022015). Collection method: clinical testing. Allele origin: germline.
Comment: This variant is present in population databases (no rsID available, gnomAD 0.002%). This sequence change replaces alanine, a(n) neutral and non-polar amino acid, with threonine, a(n) neutral and polar amino acid, at codon 8191 of the SYNE1 protein (p.Ala8191Thr). This variant has not been reported in the literature in individuals affected with SYNE1-related conditions. In summary, the available evidence is currently insufficient to determine the role of this variant in disease. Therefore, it has been classified as a Variant of Uncertain Significance. Algorithms developed to predict the effect of missense changes on protein structure and function are either unavailable or do not agree on the potential impact of this missense change (SIFT: "Deleterious"; PolyPhen-2: "Benign"; Align-GVGD: "Class C0"). ClinVar contains an entry for this variant (Variation ID: 285072).

Eurofins Ntd Llc (ga)
Classification: Uncertain significance. Last evaluated: 2015-12-04. Review status: criteria provided, single submitter. Criteria: EGL Classification Definitions 2015. Collection method: clinical testing. Allele origin: germline. Observed: 1 variant allele, 1 heterozygote.

NM_182961.4(SYNE1):c.24784G>A (p.Ala8262Thr)

Gene: SYNE1 (spectrin repeat containing nuclear envelope protein 1; minus strand). Cytogenetic location: 6q25.2.
Variant type: single nucleotide variant.
Coding change: c.24784G>A on transcript NM_182961.4 (MANE Select); coding-DNA position 24784, G replaced by A.
Protein change: p.Ala8262Thr; replaces alanine 8262 with threonine.
Molecular consequence: missense variant.
Genome position (GRCh38, 1-based): chr6:152,148,237, C>T on the plus strand (G>A on the coding strand, the complement: SYNE1 is on the minus strand). VCF-style: chr6-152148237-C-T. GRCh37 (hg19) VCF-style: chr6-152469372-C-T.
Other names: c.1390G>A, p.Ala464Thr (NM_001347701.2); c.1249G>A, p.Ala417Thr (NM_001347702.2); c.24571G>A, p.Ala8191Thr (NM_033071.5); short protein forms A8191T, A8262T, A417T, A464T.
Identifiers: ClinVar variation 285072 (VCV000285072.9), dbSNP rs886043013, ClinGen allele CA10604990.